The following is an entry in ClinVar:

Conditions:
Long QT syndrome 5 (LQT5). Identifiers: Orphanet 101016, Orphanet 768, MedGen C1867904, MONDO:0013372, OMIM 613695.

Submission:

Roden Lab, Vanderbilt University Medical Center
No classification provided (evidence only). Condition: Long QT syndrome 5. Review status: no classification provided. Collection method: in vitro. Allele origin: not applicable. Functional consequence: Effect on ion channel function.
ClinVar note: "not provided" was previously submitted as the classification for the variant. However, the classification appeared to be based only on an observation of functional data so it was converted to no classification on 2025-07-30.

NM_000219.6(KCNE1):c.161T>A (p.Phe54Tyr)

Gene: KCNE1 (potassium voltage-gated channel subfamily E regulatory subunit 1; minus strand). Cytogenetic location: 21q22.12.
Variant type: single nucleotide variant.
Coding change: c.161T>A on transcript NM_000219.6 (MANE Select); coding-DNA position 161, T replaced by A.
Protein change: p.Phe54Tyr; replaces phenylalanine 54 with tyrosine.
Molecular consequence: missense variant.
Genome position (GRCh38, 1-based): chr21:34,449,474, A>T on the plus strand (T>A on the coding strand, the complement: KCNE1 is on the minus strand). VCF-style: chr21-34449474-A-T. GRCh37 (hg19) VCF-style: chr21-35821772-A-T.
Other names: c.161T>A, p.Phe54Tyr (NM_001127668.4, NM_001127669.4, NM_001127670.4 and 4 more transcripts); short protein forms F54Y.
Identifiers: ClinVar variation 3374206 (VCV003374206.2).
Genomic context (GRCh38, chr21:34,449,474, plus strand): 5'-GAGTGCTCCAGCTTCTTGGAGCGGATGTAGCTCAGCATGATGCCCAGGGTGAAGAAGCCG[A>T]AGAATCCCAGTACCATGAGGACGTAGAGGGCCTCCAGCTTGCCGTCACTGCTGCGGGGGG-3'
Protein context (NP_000210.2, residues 44-64): ALYVLMVLGF[Phe54Tyr]GFFTLGIMLS